The following is an entry in ClinVar:

ClinVar aggregate classification (germline): Uncertain significance (1 of 4 stars; one submission).

Conditions:
Fanconi anemia (FA). Also called: Fanconi's anemia. Identifiers: Orphanet 84, MedGen C0015625, MeSH D005199, MONDO:0019391.

Submission:

Labcorp Genetics (formerly Invitae), Labcorp
Classification: Uncertain significance for Fanconi anemia. Last evaluated: 2016-05-04. Review status: criteria provided, single submitter. Criteria: Invitae Variant Classification Sherloc (09022015). Collection method: clinical testing. Allele origin: germline.
Comment: A gross duplication of the genomic region encompassing the full coding sequence of the FANCF gene has been identified. The boundaries of this event are unknown as the duplication extends beyond the assayed region for this gene and therefore may encompass additional genes. As the precise location of this duplication is unknown, it may be in tandem or it may be located elsewhere in the genome. Duplications of the entire sequence of the FANCF gene have not been reported in the literature. In summary, this is a novel duplication of the FANCF gene of unknown clinical relevance. It has been classified as a Variant of Uncertain Significance

NC_000011.9:g.(?_22644079)_(22647387_?)dup

Genes: FANCF (FA complementation group F; minus strand), LOC130005443 (ATAC-STARR-seq lymphoblastoid active region 4533; plus strand), LOC130005444 (ATAC-STARR-seq lymphoblastoid active region 4534; plus strand). Cytogenetic location: 11p14.3.
Variant type: Duplication.
Identifiers: ClinVar variation 417422 (VCV000417422.1).